The following is an entry in ClinVar:

ClinVar aggregate classification (germline): Uncertain significance (1 of 4 stars; one submission).

Allele frequency attached by ClinVar (database versions not stated): gnomAD exomes below 0.00001; ExAC 0.00001; gnomAD 0.00002; TOPMed 0.00002.
gnomAD v4.1: 6 of 1,614,110 alleles (0.00037%); highest among the groups gnomAD compares: African/African-American, 0.004%; no homozygotes.

Submission:

Labcorp Genetics (formerly Invitae), Labcorp
Classification: Uncertain significance. Last evaluated: 2025-06-09. Review status: criteria provided, single submitter. Criteria: Invitae Variant Classification Sherloc (09022015). Collection method: clinical testing. Allele origin: germline.
Comment: This sequence change replaces glutamine, which is neutral and polar, with lysine, which is basic and polar, at codon 145 of the CSF2RB protein (p.Gln145Lys). This variant is present in population databases (rs759239121, gnomAD 0.007%). This variant has not been reported in the literature in individuals affected with CSF2RB-related conditions. ClinVar contains an entry for this variant (Variation ID: 1425568). Invitae Evidence Modeling of protein sequence and biophysical properties (such as structural, functional, and spatial information, amino acid conservation, physicochemical variation, residue mobility, and thermodynamic stability) indicates that this missense variant is not expected to disrupt CSF2RB protein function with a negative predictive value of 80%. In summary, the available evidence is currently insufficient to determine the role of this variant in disease. Therefore, it has been classified as a Variant of Uncertain Significance.

NM_000395.3(CSF2RB):c.433C>A (p.Gln145Lys)

Gene: CSF2RB (colony stimulating factor 2 receptor subunit beta; plus strand). Cytogenetic location: 22q12.3.
Variant type: single nucleotide variant.
Coding change: c.433C>A on transcript NM_000395.3 (MANE Select); coding-DNA position 433, C replaced by A.
Protein change: p.Gln145Lys; replaces glutamine 145 with lysine.
Molecular consequence: missense variant.
Genome position (GRCh38, 1-based): chr22:36,929,443, C>A. VCF-style: chr22-36929443-C-A. GRCh37 (hg19) VCF-style: chr22-37325485-C-A.
Other names: short protein forms Q145K.
Identifiers: ClinVar variation 1425568 (VCV001425568.6), dbSNP rs759239121, ClinGen allele CA10213484.